The following is an entry in ClinVar:

NM_004606.5(TAF1):c.3367_3381dup (p.Arg1127_Lys1128insGluGluGlnGluArg)

Gene: TAF1 (TATA-box binding protein associated factor 1; plus strand). Cytogenetic location: Xq13.1.
Variant type: Duplication.
Coding change: c.3367_3381dup on transcript NM_004606.5 (MANE Select); coding-DNA positions 3367 to 3381, 15 bases duplicated (GAGGAACAGGAGCGG).
Protein change: p.Arg1127_Lys1128insGluGluGlnGluArg.
Molecular consequence: inframe insertion. On other transcripts: non-coding transcript variant (9).
Genome position (GRCh38, 1-based): chrX:71,394,206-71,394,220, GAGGAACAGGAGCGG duplicated; duplicating any 15 consecutive bases within chrX:71,394,203-71,394,220 gives the same sequence; the c. name uses the placement nearest the transcript's 3' end. VCF-style (leftmost placement, unchanged base first): chrX-71394202-A-ACGGGAGGAACAGGAG. GRCh37 (hg19) VCF-style: chrX-70614052-A-ACGGGAGGAACAGGAG.
Other names: c.3367_3381dup, p.Arg1127_Lys1128insGluGluGlnGluArg (NM_001286074.2); c.3304_3318dup, p.Arg1106_Lys1107insGluGluGlnGluArg (NM_138923.4).
Identifiers: ClinVar variation 3370122 (VCV003370122.1).
Genomic context (GRCh38, chrX:71,394,202, plus strand): 5'-GGGAAAGAACATTGAGAACATGTTGCAGAACAAGAAAACCAGCTCTCAGCTTTCACGTGA[A>ACGGGAGGAACAGGAG]CGGGAGGAACAGGAGCGGAAGGAACTACAGCGAATGCTACTGGGTGAGGATCTTGGCTTC-3'

ClinVar aggregate classification (germline): Uncertain significance (1 of 4 stars; one submission).

Submission:

GeneDx
Classification: Uncertain significance. Last evaluated: 2023-12-27. Review status: criteria provided, single submitter. Criteria: GeneDx Variant Classification Process June 2021. Collection method: clinical testing. Allele origin: germline. Affected: yes.
Comment: Not observed at significant frequency in large population cohorts (gnomAD); In-frame duplication of 5 amino acids in a non-repeat region; Has not been previously published as pathogenic or benign to our knowledge